The following is an entry in ClinVar:

ClinVar aggregate classification (germline): Conflicting classifications of pathogenicity. Review status: criteria provided, conflicting classifications (1 of 4 stars). 2 submissions from 2 submitters: Uncertain significance (1); Likely benign (1). Last evaluated 2026-02-25.

Conditions:
DICER1-related tumor predisposition. Also called: DICER1 syndrome; DICER1-related pleuropulmonary blastoma cancer predisposition syndrome. Identifiers: Orphanet 284343, MedGen C3839822, MONDO:0100216.
Hereditary cancer-predisposing syndrome. Also called: Hereditary Cancer Syndrome; Tumor predisposition; Neoplastic Syndromes, Hereditary; Hereditary neoplastic syndrome. Identifiers: Orphanet 140162, MedGen C0027672, MeSH D009386, MONDO:0015356.

Submissions (2):

Ambry Genetics
Classification: Likely benign for Hereditary cancer-predisposing syndrome. Last evaluated: 2026-02-25. Review status: criteria provided, single submitter. Criteria: Ambry Variant Classification Scheme 2023. Collection method: clinical testing. Allele origin: germline.

Labcorp Genetics (formerly Invitae), Labcorp
Classification: Uncertain significance for DICER1-related tumor predisposition. Last evaluated: 2019-03-19. Review status: criteria provided, single submitter. Criteria: Invitae Variant Classification Sherloc (09022015). Collection method: clinical testing. Allele origin: germline.
Comment: This sequence change replaces isoleucine with valine at codon 169 of the DICER1 protein (p.Ile169Val). The isoleucine residue is highly conserved and there is a small physicochemical difference between isoleucine and valine. In summary, the available evidence is currently insufficient to determine the role of this variant in disease. Therefore, it has been classified as a Variant of Uncertain Significance. Algorithms developed to predict the effect of missense changes on protein structure and function (SIFT, PolyPhen-2, Align-GVGD) all suggest that this variant is likely to be tolerated, but these predictions have not been confirmed by published functional studies and their clinical significance is uncertain. This variant has not been reported in the literature in individuals with DICER1-related conditions. This variant is not present in population databases (ExAC no frequency).

NM_177438.3(DICER1):c.505A>G (p.Ile169Val)

Gene: DICER1 (dicer 1, ribonuclease III; minus strand). Cytogenetic location: 14q32.13.
Variant type: single nucleotide variant.
Coding change: c.505A>G on transcript NM_177438.3 (MANE Select); coding-DNA position 505, A replaced by G.
Protein change: p.Ile169Val; replaces isoleucine 169 with valine.
Molecular consequence: missense variant.
Genome position (GRCh38, 1-based): chr14:95,130,126, T>C on the plus strand (A>G on the coding strand, the complement: DICER1 is on the minus strand). VCF-style: chr14-95130126-T-C. GRCh37 (hg19) VCF-style: chr14-95596463-T-C.
Other names: c.505A>G, p.Ile169Val (NM_001195573.1, NM_001271282.3, NM_001291628.2 and 1 more transcripts); short protein forms I169V.
Identifiers: ClinVar variation 850926 (VCV000850926.12), dbSNP rs1893829227, ClinGen allele CA390888476.